The following is an entry in ClinVar:

NM_001163435.3(TBCK):c.632A>C (p.Glu211Ala)

Gene: TBCK (TBC1 domain containing kinase; minus strand). Cytogenetic location: 4q24.
Variant type: single nucleotide variant.
Coding change: c.632A>C on transcript NM_001163435.3 (MANE Select); coding-DNA position 632, A replaced by C.
Protein change: p.Glu211Ala; replaces glutamic acid 211 with alanine.
Molecular consequence: missense variant.
Genome position (GRCh38, 1-based): chr4:106,250,444, T>G on the plus strand (A>C on the coding strand, the complement: TBCK is on the minus strand). VCF-style: chr4-106250444-T-G. GRCh37 (hg19) VCF-style: chr4-107171601-T-G.
Other names: c.632A>C, p.Glu211Ala (NM_001163436.4); c.515A>C, p.Glu172Ala (NM_001163437.3); c.116A>C, p.Glu39Ala (NM_001290768.2); c.443A>C, p.Glu148Ala (NM_033115.5); short protein forms E211A, E148A, E172A, E39A.
Identifiers: ClinVar variation 3022591 (VCV003022591.3), dbSNP rs530670850, ClinGen allele CA102846082.

ClinVar aggregate classification (germline): Uncertain significance (1 of 4 stars; one submission).

Allele frequency attached by ClinVar (database versions not stated): gnomAD 0.00001; gnomAD exomes 0.00001; TOPMed 0.00002.
gnomAD v4.1: 8 of 1,568,156 alleles (0.00051%); highest among the groups gnomAD compares: South Asian, 0.0012%; no homozygotes.

Submission:

Labcorp Genetics (formerly Invitae), Labcorp
Classification: Uncertain significance. Last evaluated: 2024-02-26. Review status: criteria provided, single submitter. Criteria: Invitae Variant Classification Sherloc (09022015). Collection method: clinical testing. Allele origin: germline.
Comment: This sequence change replaces glutamic acid, which is acidic and polar, with alanine, which is neutral and non-polar, at codon 211 of the TBCK protein (p.Glu211Ala). This variant is present in population databases (rs530670850, gnomAD 0.004%). This variant has not been reported in the literature in individuals affected with TBCK-related conditions. Advanced modeling of protein sequence and biophysical properties (such as structural, functional, and spatial information, amino acid conservation, physicochemical variation, residue mobility, and thermodynamic stability) performed at Invitae indicates that this missense variant is not expected to disrupt TBCK protein function with a negative predictive value of 80%. In summary, the available evidence is currently insufficient to determine the role of this variant in disease. Therefore, it has been classified as a Variant of Uncertain Significance.